The following is an entry in ClinVar:

ClinVar aggregate classification (germline): Uncertain significance (1 of 4 stars; one submission).

Conditions:
Hypertrophic cardiomyopathy. Also called: HYPERTROPHIC MYOCARDIOPATHY. Identifiers: Orphanet 217569, MedGen C0007194, MeSH D002312, MONDO:0005045, HP:0001639.

Allele frequency attached by ClinVar (database versions not stated): gnomAD exomes 0.00001.
gnomAD v4.1: 3 of 1,613,880 alleles (0.00019%); highest among the groups gnomAD compares: Non-Finnish European, 0.00025%; no homozygotes.

Submission:

Labcorp Genetics (formerly Invitae), Labcorp
Classification: Uncertain significance for Hypertrophic cardiomyopathy. Last evaluated: 2023-07-17. Review status: criteria provided, single submitter. Criteria: Invitae Variant Classification Sherloc (09022015). Collection method: clinical testing. Allele origin: germline.
Comment: This sequence change falls in intron 24 of the MYBPC3 gene. It does not directly change the encoded amino acid sequence of the MYBPC3 protein. In summary, the available evidence is currently insufficient to determine the role of this variant in disease. Therefore, it has been classified as a Variant of Uncertain Significance. Algorithms developed to predict the effect of sequence changes on RNA splicing suggest that this variant may create or strengthen a splice site. This variant has not been reported in the literature in individuals affected with MYBPC3-related conditions. This variant is present in population databases (no rsID available, gnomAD 0.0009%).

NM_000256.3(MYBPC3):c.2414-19G>T

Gene: MYBPC3 (myosin binding protein C3; minus strand). Cytogenetic location: 11p11.2.
Variant type: single nucleotide variant.
Coding change: c.2414-19G>T on transcript NM_000256.3 (MANE Select); 19 bases into the intron before coding-DNA position 2414, G replaced by T.
Molecular consequence: intron variant.
Genome position (GRCh38, 1-based): chr11:47,337,598, C>A on the plus strand (G>T on the coding strand, the complement: MYBPC3 is on the minus strand). VCF-style: chr11-47337598-C-A. GRCh37 (hg19) VCF-style: chr11-47359149-C-A.
Identifiers: ClinVar variation 2806369 (VCV002806369.3), dbSNP rs1031998651, ClinGen allele CA599374208.